The following is an entry in ClinVar:

NM_000051.4(ATM):c.7675del (p.Ile2559fs)

Genes: ATM (ATM serine/threonine kinase; plus strand), C11orf65 (chromosome 11 open reading frame 65; minus strand). Cytogenetic location: 11q22.3.
Variant type: Deletion.
Coding change: c.7675del on transcript NM_000051.4 (MANE Select); coding-DNA position 7675, one base deleted (A; older notation c.7675delA).
Protein change: p.Ile2559fs; shifts the reading frame from isoleucine 2559.
Molecular consequence: frameshift variant. On other transcripts: intron variant (2).
Genome position (GRCh38, 1-based): chr11:108,331,924, A deleted. VCF-style (leftmost placement, unchanged base first): chr11-108331923-TA-T. GRCh37 (hg19) VCF-style: chr11-108202650-TA-T.
Other names: c.7675del, p.Ile2559fs (NM_001351834.2); c.641-22853del (NM_001330368.2); c.*38+3296del (NM_001351110.2); short protein forms I2559fs.
Identifiers: ClinVar variation 2076161 (VCV002076161.4), dbSNP rs2547282505, ClinGen allele CA2580083532.

ClinVar aggregate classification (germline): Pathogenic (1 of 4 stars; one submission).

Conditions:
Ataxia-telangiectasia syndrome (AT). Also called: ATAXIA-TELANGIECTASIA, COMPLEMENTATION GROUP A; ATAXIA-TELANGIECTASIA, FRESNO VARIANT; Ataxia-telangiectasia; Ataxia-telangiectasia, complementation group E; LOUIS-BAR SYNDROME; Cerebello-oculocutaneous telangiectasia. Identifiers: Orphanet 100, MedGen C0004135, MONDO:0008840, OMIM 208900.

Submission:

Labcorp Genetics (formerly Invitae), Labcorp
Classification: Pathogenic for Ataxia-telangiectasia syndrome. Last evaluated: 2022-01-06. Review status: criteria provided, single submitter. Criteria: Invitae Variant Classification Sherloc (09022015). Collection method: clinical testing. Allele origin: germline.
Comment: This variant has not been reported in the literature in individuals affected with ATM-related conditions. This variant is not present in population databases (gnomAD no frequency). This sequence change creates a premature translational stop signal (p.Ile2559Leufs*5) in the ATM gene. It is expected to result in an absent or disrupted protein product. Loss-of-function variants in ATM are known to be pathogenic (PMID: 23807571, 25614872). For these reasons, this variant has been classified as Pathogenic.

Literature cited by the submitters: PubMed 23807571; PubMed 25614872.